The following is an entry in ClinVar:

ClinVar aggregate classification (germline): Uncertain significance (1 of 4 stars; one submission).

Submission:

Labcorp Genetics (formerly Invitae), Labcorp
Classification: Uncertain significance. Last evaluated: 2024-09-11. Review status: criteria provided, single submitter. Criteria: Invitae Variant Classification Sherloc (09022015). Collection method: clinical testing. Allele origin: germline.
Comment: This sequence change replaces lysine, which is basic and polar, with glutamic acid, which is acidic and polar, at codon 734 of the ENPP1 protein (p.Lys734Glu). This variant is present in population databases (rs778208665, gnomAD 0.01%). This variant has not been reported in the literature in individuals affected with ENPP1-related conditions. Invitae Evidence Modeling of protein sequence and biophysical properties (such as structural, functional, and spatial information, amino acid conservation, physicochemical variation, residue mobility, and thermodynamic stability) indicates that this missense variant is not expected to disrupt ENPP1 protein function with a negative predictive value of 80%. In summary, the available evidence is currently insufficient to determine the role of this variant in disease. Therefore, it has been classified as a Variant of Uncertain Significance.

NM_006208.3(ENPP1):c.2200A>G (p.Lys734Glu)

Gene: ENPP1 (ectonucleotide pyrophosphatase/phosphodiesterase 1; plus strand). Cytogenetic location: 6q23.2.
Variant type: single nucleotide variant.
Coding change: c.2200A>G on transcript NM_006208.3 (MANE Select); coding-DNA position 2200, A replaced by G.
Protein change: p.Lys734Glu; replaces lysine 734 with glutamic acid.
Molecular consequence: missense variant.
Genome position (GRCh38, 1-based): chr6:131,882,444, A>G. VCF-style: chr6-131882444-A-G. GRCh37 (hg19) VCF-style: chr6-132203584-A-G.
Other names: short protein forms K734E.
Identifiers: ClinVar variation 3663701 (VCV003663701.2).